The following is an entry in ClinVar:

NM_001166114.2(PNPLA6):c.1147G>A (p.Ala383Thr)

Gene: PNPLA6 (patatin like domain 6, lysophospholipase; plus strand). Cytogenetic location: 19p13.2.
Variant type: single nucleotide variant.
Coding change: c.1147G>A on transcript NM_001166114.2 (MANE Select); coding-DNA position 1147, G replaced by A.
Protein change: p.Ala383Thr; replaces alanine 383 with threonine.
Molecular consequence: missense variant.
Genome position (GRCh38, 1-based): chr19:7,541,663, G>A. VCF-style: chr19-7541663-G-A. GRCh37 (hg19) VCF-style: chr19-7606549-G-A.
Other names: c.1030G>A (NM_006702.4); c.1174G>A, p.Ala392Thr (NM_001166111.2); c.1030G>A, p.Ala344Thr (NM_001166112.2, NM_001166113.1, NM_006702.5); short protein forms A392T, A383T, A344T.
Identifiers: ClinVar variation 1461664 (VCV001461664.7), dbSNP rs774683671, ClinGen allele CA9139683.

ClinVar aggregate classification (germline): Uncertain significance. Review status: criteria provided, multiple submitters, no conflicts (2 of 4 stars). 2 submissions from 2 submitters: Uncertain significance (2). Last evaluated 2023-05-03.

Conditions:
Inborn genetic diseases. Identifiers: MedGen C0950123, MeSH D030342.
Hereditary spastic paraplegia 39 (SPG39). Also called: Spastic Paraplegia Type 39 (SPG39); SPASTIC PARAPLEGIA 39, AUTOSOMAL RECESSIVE. Identifiers: Orphanet 139480, MedGen C2677586, MONDO:0012787, OMIM 612020.

Allele frequency attached by ClinVar (database versions not stated): gnomAD 0.00001; TOPMed 0.00002; ExAC 0.00003.

Submissions (2):

Ambry Genetics
Classification: Uncertain significance for Inborn genetic diseases. Last evaluated: 2023-05-03. Review status: criteria provided, single submitter. Criteria: Ambry Variant Classification Scheme 2023. Collection method: clinical testing. Allele origin: germline.

Labcorp Genetics (formerly Invitae), Labcorp
Classification: Uncertain significance for Hereditary spastic paraplegia 39. Last evaluated: 2022-09-27. Review status: criteria provided, single submitter. Criteria: Invitae Variant Classification Sherloc (09022015). Collection method: clinical testing. Allele origin: germline.
Comment: This variant has not been reported in the literature in individuals affected with PNPLA6-related conditions. ClinVar contains an entry for this variant (Variation ID: 1461664). Advanced modeling of protein sequence and biophysical properties (such as structural, functional, and spatial information, amino acid conservation, physicochemical variation, residue mobility, and thermodynamic stability) performed at Invitae indicates that this missense variant is not expected to disrupt PNPLA6 protein function. In summary, the available evidence is currently insufficient to determine the role of this variant in disease. Therefore, it has been classified as a Variant of Uncertain Significance. This variant is present in population databases (rs774683671, gnomAD 0.03%). This sequence change replaces alanine, which is neutral and non-polar, with threonine, which is neutral and polar, at codon 344 of the PNPLA6 protein (p.Ala344Thr).